The following is an entry in ClinVar:

NM_004082.5(DCTN1):c.557C>G (p.Pro186Arg)

Gene: DCTN1 (dynactin subunit 1; minus strand). Cytogenetic location: 2p13.1.
Variant type: single nucleotide variant.
Coding change: c.557C>G on transcript NM_004082.5 (MANE Select); coding-DNA position 557, C replaced by G.
Protein change: p.Pro186Arg; replaces proline 186 with arginine.
Molecular consequence: missense variant. On other transcripts: non-coding transcript variant (1).
Genome position (GRCh38, 1-based): chr2:74,371,625, G>C on the plus strand (C>G on the coding strand, the complement: DCTN1 is on the minus strand). VCF-style: chr2-74371625-G-C. GRCh37 (hg19) VCF-style: chr2-74598752-G-C.
Other names: c.497C>G, p.Pro166Arg (NM_001135040.3); c.155C>G, p.Pro52Arg (NM_001135041.3, NM_023019.4); c.446C>G, p.Pro149Arg (NM_001190836.2); c.536C>G, p.Pro179Arg (NM_001190837.2); c.506C>G, p.Pro169Arg (NM_001378991.1); c.488C>G, p.Pro163Arg (NM_001378992.1); short protein forms P52R, P163R, P179R, P149R, P166R, P186R, P169R.
Identifiers: ClinVar variation 2954396 (VCV002954396.3), dbSNP rs916359967, ClinGen allele CA347367264.

ClinVar aggregate classification (germline): Uncertain significance (1 of 4 stars; one submission).

Conditions:
Amyotrophic lateral sclerosis type 1 (ALS1). Also called: AMYOTROPHIC LATERAL SCLEROSIS 1, FAMILIAL. Identifiers: Orphanet 803, MedGen C1862939, MONDO:0007103, OMIM 105400.
Neuronopathy, distal hereditary motor, type 7B. Also called: Distal Hereditary Motor Neuronopathy Type 7B (dHMN7B); HMN VIIB; NEURONOPATHY, DISTAL HEREDITARY MOTOR, AUTOSOMAL DOMINANT 14; NEURONOPATHY, DISTAL HEREDITARY MOTOR, HARDING TYPE VIIB; NEUROPATHY, DISTAL HEREDITARY MOTOR, HARDING TYPE VIIB; NEUROPATHY, DISTAL HEREDITARY MOTOR, WITH VOCAL CORD PARALYSIS, HARDING TYPE VIIB. Identifiers: Orphanet 139589, MedGen C1843315, MONDO:0011879, OMIM 607641.
Perry syndrome. Also called: PARKINSONISM WITH ALVEOLAR HYPOVENTILATION AND MENTAL DEPRESSION. Identifiers: Orphanet 178509, MedGen C1868594, MONDO:0008201, OMIM 168605.

Submission:

Labcorp Genetics (formerly Invitae), Labcorp
Classification: Uncertain significance for Amyotrophic lateral sclerosis type 1; Neuronopathy, distal hereditary motor, type 7B; Perry syndrome. Last evaluated: 2023-12-12. Review status: criteria provided, single submitter. Criteria: Invitae Variant Classification Sherloc (09022015). Collection method: clinical testing. Allele origin: germline.
Comment: This sequence change replaces proline, which is neutral and non-polar, with arginine, which is basic and polar, at codon 186 of the DCTN1 protein (p.Pro186Arg). This variant is not present in population databases (gnomAD no frequency). This variant has not been reported in the literature in individuals affected with DCTN1-related conditions. Advanced modeling of protein sequence and biophysical properties (such as structural, functional, and spatial information, amino acid conservation, physicochemical variation, residue mobility, and thermodynamic stability) performed at Invitae indicates that this missense variant is not expected to disrupt DCTN1 protein function with a negative predictive value of 80%. In summary, the available evidence is currently insufficient to determine the role of this variant in disease. Therefore, it has been classified as a Variant of Uncertain Significance.